The following is an entry in ClinVar:

NM_024577.4(SH3TC2):c.259G>C (p.Glu87Gln)

Gene: SH3TC2 (SH3 domain and tetratricopeptide repeats 2; minus strand). Cytogenetic location: 5q32.
Variant type: single nucleotide variant.
Coding change: c.259G>C on transcript NM_024577.4 (MANE Select); coding-DNA position 259, G replaced by C.
Protein change: p.Glu87Gln; replaces glutamic acid 87 with glutamine.
Molecular consequence: missense variant.
Genome position (GRCh38, 1-based): chr5:149,047,882, C>G on the plus strand (G>C on the coding strand, the complement: SH3TC2 is on the minus strand). VCF-style: chr5-149047882-C-G. GRCh37 (hg19) VCF-style: chr5-148427445-C-G.
Other names: short protein forms E87Q.
Identifiers: ClinVar variation 543340 (VCV000543340.5), dbSNP rs947749200, ClinGen allele CA129006462.
Genomic context (GRCh38, chr5:149,047,882, plus strand): 5'-AAGTCAGTACTCAGCATTCACCTGTTTCCTTCATGCTCACCTTAAACAGCATGCGCACCT[C>G]CTGGTCCTCATTCTCCAGTGCCCAGAGCCGCCTCCGAGCAGCTTCCTGTAGGGGTCCATT-3'
Protein context (NP_078853.2, residues 77-97): RLWALENEDQ[Glu87Gln]VRMLFKDLSA

ClinVar aggregate classification (germline): Uncertain significance. Review status: criteria provided, multiple submitters, no conflicts (2 of 4 stars). 3 submissions from 3 submitters: Uncertain significance (3). Last evaluated 2025-08-29.

Conditions:
Inborn genetic diseases. Identifiers: MedGen C0950123, MeSH D030342.
Charcot-Marie-Tooth disease type 4. Also called: Charcot-Marie-Tooth disease, type IV; Charcot-Marie-Tooth, Type 4. Identifiers: Orphanet 64749, MedGen C4082197, MONDO:0018995.
SH3TC2-related disorder. Also called: SH3TC2-related disorders; SH3TC2-related condition. Identifiers: MedGen CN239303.

Allele frequency attached by ClinVar (database versions not stated): gnomAD exomes below 0.00001; gnomAD 0.00008 and 0.00009; TOPMed 0.00018.
gnomAD v4.1: 26 of 1,614,046 alleles (0.0016%); highest among the groups gnomAD compares: Admixed American, 0.035%; no homozygotes.

Submissions (3):

PreventionGenetics, part of Exact Sciences
Classification: Uncertain significance for SH3TC2-related condition. Last evaluated: 2025-08-29. Review status: criteria provided, single submitter. Criteria: ACMG Guidelines, 2015. Collection method: clinical testing. Allele origin: germline.
Comment: The SH3TC2 c.259G>C variant is predicted to result in the amino acid substitution p.Glu87Gln. To our knowledge, this variant has not been reported in the literature. This variant is reported in 0.0029% of alleles in individuals of Latino descent in gnomAD. At this time, the clinical significance of this variant is uncertain due to the absence of conclusive functional and genetic evidence.

Labcorp Genetics (formerly Invitae), Labcorp
Classification: Uncertain significance for Charcot-Marie-Tooth disease type 4. Last evaluated: 2022-08-31. Review status: criteria provided, single submitter. Criteria: Invitae Variant Classification Sherloc (09022015). Collection method: clinical testing. Allele origin: germline.
Comment: This sequence change replaces glutamic acid, which is acidic and polar, with glutamine, which is neutral and polar, at codon 87 of the SH3TC2 protein (p.Glu87Gln). This variant is present in population databases (no rsID available, gnomAD 0.003%). This variant has not been reported in the literature in individuals affected with SH3TC2-related conditions. ClinVar contains an entry for this variant (Variation ID: 543340). Advanced modeling of protein sequence and biophysical properties (such as structural, functional, and spatial information, amino acid conservation, physicochemical variation, residue mobility, and thermodynamic stability) performed at Invitae indicates that this missense variant is not expected to disrupt SH3TC2 protein function. Algorithms developed to predict the effect of sequence changes on RNA splicing suggest that this variant may create or strengthen a splice site. In summary, the available evidence is currently insufficient to determine the role of this variant in disease. Therefore, it has been classified as a Variant of Uncertain Significance.

Ambry Genetics
Classification: Uncertain significance for Inborn genetic diseases. Last evaluated: 2021-07-15. Review status: criteria provided, single submitter. Criteria: Ambry Variant Classification Scheme 2023. Collection method: clinical testing. Allele origin: germline.